The following is an entry in ClinVar:

NM_014000.3(VCL):c.443C>T (p.Ala148Val)

Gene: VCL (vinculin; plus strand). Cytogenetic location: 10q22.2.
Variant type: single nucleotide variant.
Coding change: c.443C>T on transcript NM_014000.3 (MANE Select); coding-DNA position 443, C replaced by T.
Protein change: p.Ala148Val; replaces alanine 148 with valine.
Molecular consequence: missense variant.
Genome position (GRCh38, 1-based): chr10:74,071,027, C>T. VCF-style: chr10-74071027-C-T. GRCh37 (hg19) VCF-style: chr10-75830785-C-T.
Other names: c.443C>T, p.Ala148Val (NM_003373.4); short protein forms A148V.
Identifiers: ClinVar variation 1047645 (VCV001047645.7), dbSNP rs1841656112, ClinGen allele CA377266533.

ClinVar aggregate classification (germline): Uncertain significance (1 of 4 stars; one submission).

Conditions:
Dilated cardiomyopathy 1W (CMD1W). Identifiers: Orphanet 154, MedGen C1969639, MONDO:0012667, OMIM 611407.

Submission:

Labcorp Genetics (formerly Invitae), Labcorp
Classification: Uncertain significance for Dilated cardiomyopathy 1W. Last evaluated: 2020-10-26. Review status: criteria provided, single submitter. Criteria: Invitae Variant Classification Sherloc (09022015). Collection method: clinical testing. Allele origin: germline.
Comment: Algorithms developed to predict the effect of missense changes on protein structure and function are either unavailable or do not agree on the potential impact of this missense change (SIFT: "Not Available"; PolyPhen-2: "Probably Damaging"; Align-GVGD: "Not Available"). In summary, the available evidence is currently insufficient to determine the role of this variant in disease. Therefore, it has been classified as a Variant of Uncertain Significance. This variant has not been reported in the literature in individuals with VCL-related conditions. This variant is not present in population databases (ExAC no frequency). This sequence change replaces alanine with valine at codon 148 of the VCL protein (p.Ala148Val). The alanine residue is highly conserved and there is a small physicochemical difference between alanine and valine.